The following is an entry in ClinVar:

ClinVar aggregate classification (germline): Likely pathogenic (1 of 4 stars; one submission).

Submission:

Dasa
Classification: Likely pathogenic. Last evaluated: 2025-07-11. Review status: criteria provided, single submitter. Criteria: DASA Assertion Criteria. Collection method: clinical testing. Allele origin: germline.
Comment: NM_001039591.3(USP9X):c.2657_2658insTA (p.Ser887Thrfs*4) is a frameshift variant in USP9X predicted to alter the reading frame and introduce a premature termination codon and is predicted to result in an absent or altered protein product. Loss of function is an established disease mechanism for USP9X (PMID: 26833328; PMID: 24607389; PMID: 28377321). Also, this variant is absent from population databases. Based on the currently available evidence, this variant is classified as likely pathogenic.

Literature cited by the submitters: PubMed 26833328; PubMed 24607389; PubMed 28377321.

NM_001039591.3(USP9X):c.2657_2658insTA (p.Ser887fs)

Gene: USP9X (ubiquitin specific peptidase 9 X-linked; plus strand). Cytogenetic location: Xp11.4.
Variant type: Insertion.
Coding change: c.2657_2658insTA on transcript NM_001039591.3 (MANE Select); coding-DNA positions 2657 to 2658, TA inserted.
Protein change: p.Ser887fs; shifts the reading frame from serine 887.
Molecular consequence: frameshift variant.
Genome position: GRCh38 VCF-style: chrX-41170015-T-TTA. GRCh37 (hg19) VCF-style: chrX-41029268-T-TTA.
Other names: c.2657_2658insTA, p.Ser887fs (NM_001039590.3); c.2672_2673insTA, p.Ser892fs (NM_001410748.1, NM_001410749.1, NM_001437534.1); short protein forms S887fs, S892fs.
Identifiers: ClinVar variation 4880700 (VCV004880700.2).